The following is an entry in ClinVar:

ClinVar aggregate classification (germline): Uncertain significance (1 of 4 stars; one submission).

Conditions:
Landau-Kleffner syndrome (FESD). Also called: EPILEPSY, FOCAL, WITH SPEECH DISORDER AND WITH OR WITHOUT MENTAL RETARDATION; APHASIA, ACQUIRED, WITH EPILEPSY. Identifiers: Orphanet 1945, Orphanet 725, Orphanet 98818, MedGen C0282512, MONDO:0009509, OMIM 245570.

gnomAD v4.1: 6 of 1,610,466 alleles (0.00037%); highest among the groups gnomAD compares: Middle Eastern, 0.016%; no homozygotes.

Submission:

Labcorp Genetics (formerly Invitae), Labcorp
Classification: Uncertain significance for Landau-Kleffner syndrome. Last evaluated: 2024-06-15. Review status: criteria provided, single submitter. Criteria: Invitae Variant Classification Sherloc (09022015). Collection method: clinical testing. Allele origin: germline.
Comment: This sequence change replaces glutamine, which is neutral and polar, with histidine, which is basic and polar, at codon 153 of the GRIN2A protein (p.Gln153His). This variant is present in population databases (rs766736618, gnomAD 0.0009%). This variant has not been reported in the literature in individuals affected with GRIN2A-related conditions. Advanced modeling of protein sequence and biophysical properties (such as structural, functional, and spatial information, amino acid conservation, physicochemical variation, residue mobility, and thermodynamic stability) performed at Invitae indicates that this missense variant is not expected to disrupt GRIN2A protein function with a negative predictive value of 80%. In summary, the available evidence is currently insufficient to determine the role of this variant in disease. Therefore, it has been classified as a Variant of Uncertain Significance.

NM_001134407.3(GRIN2A):c.459G>C (p.Gln153His)

Gene: GRIN2A (glutamate ionotropic receptor NMDA type subunit 2A; minus strand). Cytogenetic location: 16p13.2.
Variant type: single nucleotide variant.
Coding change: c.459G>C on transcript NM_001134407.3 (MANE Select); coding-DNA position 459, G replaced by C.
Protein change: p.Gln153His; replaces glutamine 153 with histidine.
Molecular consequence: missense variant.
Genome position (GRCh38, 1-based): chr16:9,938,507, C>G on the plus strand (G>C on the coding strand, the complement: GRIN2A is on the minus strand). VCF-style: chr16-9938507-C-G. GRCh37 (hg19) VCF-style: chr16-10032364-C-G.
Other names: c.459G>C, p.Gln153His (NM_000833.5, NM_001134408.2); short protein forms Q153H.
Identifiers: ClinVar variation 3681343 (VCV003681343.2).